The following is an entry in ClinVar:

ClinVar aggregate classification (germline): Uncertain significance. Review status: criteria provided, multiple submitters, no conflicts (2 of 4 stars). 2 submissions from 2 submitters: Uncertain significance (2). Last evaluated 2025-04-14.

Conditions:
3-methylglutaconic aciduria type 1 (MGCA1). Identifiers: Orphanet 67046, MedGen C0342727, MONDO:0009610, OMIM 250950.

Allele frequency attached by ClinVar (database versions not stated): gnomAD exomes below 0.00001.

Submissions (2):

GeneDx
Classification: Uncertain significance. Last evaluated: 2025-04-14. Review status: criteria provided, single submitter. Criteria: GeneDx Variant Classification Process June 2021. Collection method: clinical testing. Allele origin: germline. Affected: yes.
Comment: Not observed at significant frequency in large population cohorts (gnomAD); Has not been previously published as pathogenic or benign to our knowledge; In silico analysis is inconclusive as to whether the variant alters gene splicing. In the absence of RNA/functional studies, the actual effect of this sequence change is unknown.

Labcorp Genetics (formerly Invitae), Labcorp
Classification: Uncertain significance for 3-methylglutaconic aciduria type 1. Last evaluated: 2019-04-09. Review status: criteria provided, single submitter. Criteria: Invitae Variant Classification Sherloc (09022015). Collection method: clinical testing. Allele origin: germline.
Comment: This variant is not present in population databases (ExAC no frequency). This sequence change falls in intron 9 of the AUH gene. It does not directly change the encoded amino acid sequence of the AUH protein, but it affects a nucleotide within the consensus splice site of the intron. This variant has not been reported in the literature in individuals with AUH-related disease. ClinVar contains an entry for this variant (Variation ID: 529798). Nucleotide substitutions within the consensus splice site are a relatively common cause of aberrant splicing (PMID: 17576681, 9536098). Algorithms developed to predict the effect of sequence changes on RNA splicing suggest that this variant may disrupt the consensus splice site, but this prediction has not been confirmed by published transcriptional studies. In summary, the available evidence is currently insufficient to determine the role of this variant in disease. Therefore, it has been classified as a Variant of Uncertain Significance.

Literature cited by the submitters: PubMed 17576681 (cited by Labcorp Genetics (formerly Invitae), Labcorp); PubMed 9536098 (cited by Labcorp Genetics (formerly Invitae), Labcorp).

NM_001698.3(AUH):c.942+4dup

Gene: AUH (AU RNA binding methylglutaconyl-CoA hydratase; minus strand). Cytogenetic location: 9q22.31.
Variant type: Duplication.
Coding change: c.942+4dup on transcript NM_001698.3 (MANE Select); 4 bases into the intron after coding-DNA position 942, one base duplicated (T; older notation c.942+4dupT).
Molecular consequence: intron variant.
Genome position (GRCh38, 1-based): chr9:91,216,055, A duplicated on the plus strand (T on the coding strand, the reverse complement: AUH is on the minus strand). VCF-style (leftmost placement, unchanged base first): chr9-91216054-C-CA. GRCh37 (hg19) VCF-style: chr9-93978336-C-CA.
Other names: c.942+4dupT (NM_001698.2); c.855+4dup (NM_001306190.2); c.567+1222dup (NM_001351433.2); c.615+4dup (NM_001351431.2, NM_001351432.2).
Identifiers: ClinVar variation 529798 (VCV000529798.10), dbSNP rs1554688047, ClinGen allele CA658797222.